The following is an entry in ClinVar:

NM_004706.4(ARHGEF1):c.2578G>T (p.Gly860Cys)

Gene: ARHGEF1 (Rho guanine nucleotide exchange factor 1; plus strand). Cytogenetic location: 19q13.2.
Variant type: single nucleotide variant.
Coding change: c.2578G>T on transcript NM_004706.4 (MANE Select); coding-DNA position 2578, G replaced by T.
Protein change: p.Gly860Cys; replaces glycine 860 with cysteine.
Molecular consequence: missense variant. On other transcripts: non-coding transcript variant (2), intron variant (4).
Genome position (GRCh38, 1-based): chr19:41,906,543, G>T. VCF-style: chr19-41906543-G-T. GRCh37 (hg19) VCF-style: chr19-42410695-G-T.
Other names: c.2746G>T, p.Gly916Cys (NM_001396000.1); c.2479G>T, p.Gly827Cys (NM_198977.2); c.2623G>T, p.Gly875Cys (NM_199002.2); c.2492-160G>T (NM_001396003.1, NM_001396006.1); c.2393-160G>T (NM_001396002.1, NM_001396004.1); short protein forms G827C, G860C, G916C, G875C.
Identifiers: ClinVar variation 2799682 (VCV002799682.3), dbSNP rs1249718614, ClinGen allele CA406069792.
Genomic context (GRCh38, chr19:41,906,543, plus strand): 5'-CCGGCGGAGGAAGACAATGGGGCGGGGCCTCCTCGAGATGGGGATGGGGTCCCAGGGGGC[G>T]GCCCCCTGAGCCCAGCACGGACCCAGGAAATCCAGGAGAACCTGCTCAGCTTGGAGGAGA-3'
Protein context (NP_004697.2, residues 850-870): PRDGDGVPGG[Gly860Cys]PLSPARTQEI

ClinVar aggregate classification (germline): Uncertain significance (1 of 4 stars; one submission).

gnomAD v4.1: 3 of 1,583,810 alleles (0.00019%); highest among the groups gnomAD compares: South Asian, 0.0035%; no homozygotes.

Submission:

Labcorp Genetics (formerly Invitae), Labcorp
Classification: Uncertain significance. Last evaluated: 2023-06-14. Review status: criteria provided, single submitter. Criteria: Invitae Variant Classification Sherloc (09022015). Collection method: clinical testing. Allele origin: germline.
Comment: In summary, the available evidence is currently insufficient to determine the role of this variant in disease. Therefore, it has been classified as a Variant of Uncertain Significance. An algorithm developed to predict the effect of missense changes on protein structure and function (PolyPhen-2) suggests that this variant is likely to be tolerated. This variant has not been reported in the literature in individuals affected with ARHGEF1-related conditions. This variant is present in population databases (no rsID available, gnomAD 0.004%). This sequence change replaces glycine, which is neutral and non-polar, with cysteine, which is neutral and slightly polar, at codon 875 of the ARHGEF1 protein (p.Gly875Cys).